The following is an entry in ClinVar:

ClinVar aggregate classification (germline): Uncertain significance (1 of 4 stars; one submission).

Submission:

Labcorp Genetics (formerly Invitae), Labcorp
Classification: Uncertain significance. Last evaluated: 2022-06-27. Review status: criteria provided, single submitter. Criteria: Invitae Variant Classification Sherloc (09022015). Collection method: clinical testing. Allele origin: germline.
Comment: In summary, the available evidence is currently insufficient to determine the role of this variant in disease. Therefore, it has been classified as a Variant of Uncertain Significance. Algorithms developed to predict the effect of missense changes on protein structure and function are either unavailable or do not agree on the potential impact of this missense change (SIFT: "Deleterious"; PolyPhen-2: "Benign"; Align-GVGD: "Class C35"). This variant has not been reported in the literature in individuals affected with POU4F3-related conditions. This variant is not present in population databases (gnomAD no frequency). This sequence change replaces aspartic acid, which is acidic and polar, with glutamic acid, which is acidic and polar, at codon 179 of the POU4F3 protein (p.Asp179Glu).

NM_002700.3(POU4F3):c.537C>A (p.Asp179Glu)

Genes: POU4F3 (POU class 4 homeobox 3; plus strand), RBM27-POU4F3 (RBM27-POU4F3 readthrough; plus strand). Cytogenetic location: 5q32.
Variant type: single nucleotide variant.
Coding change: c.537C>A on transcript NM_002700.3 (MANE Select); coding-DNA position 537, C replaced by A.
Protein change: p.Asp179Glu; replaces aspartic acid 179 with glutamic acid.
Molecular consequence: missense variant.
Genome position (GRCh38, 1-based): chr5:146,339,964, C>A. VCF-style: chr5-146339964-C-A. GRCh37 (hg19) VCF-style: chr5-145719527-C-A.
Other names: short protein forms D179E.
Identifiers: ClinVar variation 1386873 (VCV001386873.6), dbSNP rs2126961617, ClinGen allele CA361621025.